The following is an entry in ClinVar:

NM_003060.4(SLC22A5):c.1436A>C (p.Tyr479Ser)

Gene: SLC22A5 (solute carrier family 22 member 5; plus strand). Cytogenetic location: 5q31.1.
Variant type: single nucleotide variant.
Coding change: c.1436A>C on transcript NM_003060.4 (MANE Select); coding-DNA position 1436, A replaced by C.
Protein change: p.Tyr479Ser; replaces tyrosine 479 with serine.
Molecular consequence: missense variant.
Genome position (GRCh38, 1-based): chr5:132,392,601, A>C. VCF-style: chr5-132392601-A-C. GRCh37 (hg19) VCF-style: chr5-131728293-A-C.
Other names: c.1508A>C, p.Tyr503Ser (NM_001308122.2); short protein forms Y479S, Y503S.
Identifiers: ClinVar variation 4166762 (VCV004166762.2).

ClinVar aggregate classification (germline): Uncertain significance. Review status: criteria provided, multiple submitters, no conflicts (2 of 4 stars). 2 submissions from 2 submitters: Uncertain significance (2). Last evaluated 2026-01-03.

Conditions:
Renal carnitine transport defect (CDSP). Also called: Carnitine transporter deficiency; Carnitine Deficiency, Systemic; CARNITINE DEFICIENCY, SYSTEMIC, DUE TO DEFECT IN RENAL REABSORPTION OF CARNITINE; CARNITINE TRANSPORTER, PLASMA-MEMBRANE, DEFICIENCY OF; CARNITINE UPTAKE DEFECT; Primary carnitine deficiency. Identifiers: Orphanet 158, MedGen C0342788, MONDO:0008919, OMIM 212140.
Inborn genetic diseases. Identifiers: MedGen C0950123, MeSH D030342.

Submissions (2):

Labcorp Genetics (formerly Invitae), Labcorp
Classification: Uncertain significance for Renal carnitine transport defect. Last evaluated: 2026-01-03. Review status: criteria provided, single submitter. Criteria: Invitae Variant Classification Sherloc (09022015). Collection method: clinical testing. Allele origin: germline.
Comment: This sequence change replaces tyrosine, which is neutral and polar, with serine, which is neutral and polar, at codon 479 of the SLC22A5 protein (p.Tyr479Ser). This variant is not present in population databases (gnomAD no frequency). This variant has not been reported in the literature in individuals affected with SLC22A5-related conditions. ClinVar contains an entry for this variant (Variation ID: 4166762). Invitae Evidence Modeling of protein sequence and biophysical properties (such as structural, functional, and spatial information, amino acid conservation, physicochemical variation, residue mobility, and thermodynamic stability) indicates that this missense variant is expected to disrupt SLC22A5 protein function with a positive predictive value of 95%. In summary, the available evidence is currently insufficient to determine the role of this variant in disease. Therefore, it has been classified as a Variant of Uncertain Significance.

Ambry Genetics
Classification: Uncertain significance for Inborn genetic diseases. Last evaluated: 2025-08-12. Review status: criteria provided, single submitter. Criteria: Ambry Variant Classification Scheme 2023. Collection method: clinical testing. Allele origin: germline.